The following is an entry in ClinVar:

NM_000214.3(JAG1):c.2122C>T (p.Gln708Ter)

Gene: JAG1 (jagged canonical Notch ligand 1; minus strand). Cytogenetic location: 20p12.2.
Variant type: single nucleotide variant.
Coding change: c.2122C>T on transcript NM_000214.3 (MANE Select); coding-DNA position 2122, C replaced by T.
Protein change: p.Gln708Ter; replaces glutamine 708 with a stop codon.
Molecular consequence: nonsense.
Genome position (GRCh38, 1-based): chr20:10,645,248, G>A on the plus strand (C>T on the coding strand, the complement: JAG1 is on the minus strand). VCF-style: chr20-10645248-G-A. GRCh37 (hg19) VCF-style: chr20-10625896-G-A.
Other names: c.2122C>T, p.Gln708Ter (LRG_1191t1); short protein forms Q708*.
Identifiers: ClinVar variation 289253 (VCV000289253.9), dbSNP rs886044136, ClinGen allele CA10606390.

ClinVar aggregate classification (germline): Pathogenic. Review status: criteria provided, multiple submitters, no conflicts (2 of 4 stars). 2 submissions from 2 submitters: Pathogenic (2). Last evaluated 2022-10-24.

Conditions:
Alagille syndrome due to a JAG1 point mutation. Also called: JAG1-Related Alagille Syndrome; Alagille Syndrome 1; HEPATIC DUCTULAR HYPOPLASIA, SYNDROMATIC. Identifiers: Orphanet 261619, Orphanet 52, MedGen C1956125, MONDO:0016862, OMIM 118450.

Submissions (2):

Labcorp Genetics (formerly Invitae), Labcorp
Classification: Pathogenic for Alagille syndrome due to a JAG1 point mutation. Last evaluated: 2022-10-24. Review status: criteria provided, single submitter. Criteria: Invitae Variant Classification Sherloc (09022015). Collection method: clinical testing. Allele origin: germline.
Comment: This variant is not present in population databases (gnomAD no frequency). For these reasons, this variant has been classified as Pathogenic. ClinVar contains an entry for this variant (Variation ID: 289253). This premature translational stop signal has been observed in individual(s) with Alagille syndrome (PMID: 16575836). This sequence change creates a premature translational stop signal (p.Gln708*) in the JAG1 gene. It is expected to result in an absent or disrupted protein product. Loss-of-function variants in JAG1 are known to be pathogenic (PMID: 11180599).

Eurofins Ntd Llc (ga)
Classification: Pathogenic. Last evaluated: 2016-07-05. Review status: criteria provided, single submitter. Criteria: EGL Classification Definitions 2015. Collection method: clinical testing. Allele origin: germline. Observed: 1 variant allele, 1 heterozygote.

Literature cited by the submitters: PubMed 16575836 (cited by Labcorp Genetics (formerly Invitae), Labcorp); PubMed 11180599 (cited by Labcorp Genetics (formerly Invitae), Labcorp).